The following is an entry in ClinVar:

NM_005994.4(TBX2):c.1212G>A (p.Arg404=)

Gene: TBX2 (T-box transcription factor 2; plus strand). Cytogenetic location: 17q23.2.
Variant type: single nucleotide variant.
Coding change: c.1212G>A on transcript NM_005994.4 (MANE Select); coding-DNA position 1212, G replaced by A.
Protein change: p.Arg404=; no amino-acid change (arginine 404 retained).
Molecular consequence: synonymous variant.
Genome position (GRCh38, 1-based): chr17:61,405,362, G>A. VCF-style: chr17-61405362-G-A. GRCh37 (hg19) VCF-style: chr17-59482723-G-A.
Other names: NC_000017.10:g.59482723G>A.
Identifiers: ClinVar variation 773592 (VCV000773592.39), dbSNP rs140610908, ClinGen allele CA8689341.

ClinVar aggregate classification (germline): Benign/Likely benign. Review status: criteria provided, multiple submitters, no conflicts (2 of 4 stars). 5 submissions from 5 submitters: Benign (2); Likely benign (3). Last evaluated 2026-09-01.

Conditions:
Vertebral anomalies and variable endocrine and T-cell dysfunction. Identifiers: MedGen C4748741, MONDO:0032607, OMIM 618223.

Allele frequency attached by ClinVar (database versions not stated): 1000 Genomes Project 0.00359; ESP Exome Variant Server 0.00476; gnomAD exomes 0.00536; gnomAD 0.00566 and 0.00582; TOPMed 0.00628; ExAC 0.00762; 1000 Genomes Project 30x 0.00328.
gnomAD v4.1: 12,164 of 1,547,594 alleles (0.79%); highest among the groups gnomAD compares: Non-Finnish European, 0.95%; 61 homozygotes.

Submissions (8):

CeGaT Center for Human Genetics Tuebingen
Classification: Benign. Last evaluated: 2026-09-01. Review status: criteria provided, single submitter. Criteria: CeGaT Center For Human Genetics Tuebingen Variant Classification Criteria Version 2. Collection method: clinical testing. Allele origin: germline. Affected: yes. Observed: 7 variant alleles.
Comment: TBX2: BP4, BP7, BS1, BS2

Blueprint Genetics
Classification: Likely benign. Last evaluated: 2024-11-26. Review status: criteria provided, single submitter. Criteria: ACMG Guidelines, 2015. Collection method: clinical testing. Allele origin: germline.

Fulgent Genetics
Classification: Likely benign for Vertebral anomalies and variable endocrine and T-cell dysfunction. Last evaluated: 2021-08-13. Review status: criteria provided, single submitter. Criteria: ACMG Guidelines, 2015. Collection method: clinical testing. Allele origin: unknown.

Labcorp Genetics (formerly Invitae), Labcorp
Classification: Benign. Last evaluated: 2019-12-31. Review status: criteria provided, single submitter. Criteria: Invitae Variant Classification Sherloc (09022015). Collection method: clinical testing. Allele origin: germline.

Breakthrough Genomics
Classification: Likely benign. Review status: criteria provided, single submitter. Criteria: ACMG Guidelines, 2015. Collection method: not provided. Allele origin: germline. Inheritance: Autosomal dominant inheritance. Affected: yes.

Dr. Peter K. Rogan Lab, Western University
No classification provided (evidence only). Condition: Cervical cancer. Review status: no classification provided. Collection method: in vitro. Allele origin: not applicable. Functional consequence: skipped exon, retained intron. Not counted in ClinVar's aggregate classification.

Dr. Peter K. Rogan Lab, Western University
No classification provided (evidence only). Condition: Hepatocellular carcinoma. Review status: no classification provided. Collection method: in vitro. Allele origin: not applicable. Functional consequence: skipped exon, retained intron. Not counted in ClinVar's aggregate classification.

Dr. Peter K. Rogan Lab, Western University
No classification provided (evidence only). Condition: Ovarian serous cystadenocarcinoma. Review status: no classification provided. Collection method: in vitro. Allele origin: not applicable. Functional consequence: retained intron. Not counted in ClinVar's aggregate classification.